The following is an entry in ClinVar:

NM_182961.4(SYNE1):c.18785A>G (p.His6262Arg)

Gene: SYNE1 (spectrin repeat containing nuclear envelope protein 1; minus strand). Cytogenetic location: 6q25.2.
Variant type: single nucleotide variant.
Coding change: c.18785A>G on transcript NM_182961.4 (MANE Select); coding-DNA position 18785, A replaced by G.
Protein change: p.His6262Arg; replaces histidine 6262 with arginine.
Molecular consequence: missense variant.
Genome position (GRCh38, 1-based): chr6:152,268,086, T>C on the plus strand (A>G on the coding strand, the complement: SYNE1 is on the minus strand). VCF-style: chr6-152268086-T-C. GRCh37 (hg19) VCF-style: chr6-152589221-T-C.
Other names: c.18572A>G, p.His6191Arg (NM_033071.5); short protein forms H6191R, H6262R.
Identifiers: ClinVar variation 1801968 (VCV001801968.1), dbSNP rs2092873581, ClinGen allele CA366091535.

ClinVar aggregate classification (germline): Uncertain significance (1 of 4 stars; one submission).

Submission:

GeneDx
Classification: Uncertain significance. Last evaluated: 2022-05-27. Review status: criteria provided, single submitter. Criteria: GeneDx Variant Classification Process June 2021. Collection method: clinical testing. Allele origin: germline. Affected: yes.
Comment: Not observed at significant frequency in large population cohorts (gnomAD); In silico analysis supports that this missense variant has a deleterious effect on protein structure/function; Has not been previously published as pathogenic or benign to our knowledge